The following is an entry in ClinVar:

NM_001378452.1(ITPR1):c.90G>T (p.Leu30Phe)

Gene: ITPR1 (inositol 1,4,5-trisphosphate receptor type 1; plus strand). Cytogenetic location: 3p26.1.
Variant type: single nucleotide variant.
Coding change: c.90G>T on transcript NM_001378452.1 (MANE Select); coding-DNA position 90, G replaced by T.
Protein change: p.Leu30Phe; replaces leucine 30 with phenylalanine.
Molecular consequence: missense variant.
Genome position (GRCh38, 1-based): chr3:4,516,581, G>T. VCF-style: chr3-4516581-G-T. GRCh37 (hg19) VCF-style: chr3-4558265-G-T.
Other names: c.90G>T, p.Leu30Phe (NM_001099952.4, NM_001168272.2, NM_002222.7); short protein forms L30F.
Identifiers: ClinVar variation 3384961 (VCV003384961.1).

ClinVar aggregate classification (germline): Uncertain significance (1 of 4 stars; one submission).

Submission:

Women's Health and Genetics/Laboratory Corporation of America, LabCorp
Classification: Uncertain significance. Last evaluated: 2024-10-03. Review status: criteria provided, single submitter. Criteria: LabCorp Variant Classification Summary - May 2015. Collection method: clinical testing. Allele origin: germline.
Comment: Variant summary: ITPR1 c.90G>T (p.Leu30Phe) results in a non-conservative amino acid change located in the Inositol 1,4,5-trisphosphate/ryanodine receptor domain (IPR014821), which corresponds to the ligand binding region of the encoded protein sequence. Five of five in-silico tools predict a damaging effect of the variant on protein function. The variant is located close to a splice-site: consensus agreement among computation tools predicts no significant impact on normal splicing. However, these predictions have yet to be confirmed by functional studies. The variant was absent in 241860 control chromosomes. The available data on variant occurrences in the general population are insufficient to allow any conclusion about variant significance. To our knowledge, no occurrence of c.90G>T in individuals affected with Spinocerebellar Ataxia 29 and no experimental evidence demonstrating its impact on protein function have been reported. No submitters have cited clinical-significance assessments for this variant to ClinVar. Based on the evidence outlined above, the variant was classified as uncertain significance.